The following is an entry in ClinVar:

NM_031407.7(HUWE1):c.13023-24A>G

Gene: HUWE1 (HECT, UBA and WWE domain containing E3 ubiquitin protein ligase 1; minus strand). Cytogenetic location: Xp11.22.
Variant type: single nucleotide variant.
Coding change: c.13023-24A>G on transcript NM_031407.7 (MANE Select); 24 bases into the intron before coding-DNA position 13023, A replaced by G.
Molecular consequence: intron variant.
Genome position (GRCh38, 1-based): chrX:53,533,435, T>C on the plus strand (A>G on the coding strand, the complement: HUWE1 is on the minus strand). VCF-style: chrX-53533435-T-C. GRCh37 (hg19) VCF-style: chrX-53560396-T-C.
Other names: c.12975-24A>G (NM_001441048.1, NM_001441053.1, NM_001441058.1); c.13020-24A>G (NM_001441051.1, NM_001441056.1); c.12978-24A>G (NM_001441049.1, NM_001441054.1); c.12999-24A>G (NM_001441050.1, NM_001441055.1); c.12621-24A>G (NM_001441052.1); c.13023-24A>G (NM_001441057.1).
Identifiers: ClinVar variation 5016958 (VCV005016958.1).

ClinVar aggregate classification (germline): Uncertain significance (1 of 4 stars; one submission).

Submission:

GeneDx
Classification: Uncertain significance. Last evaluated: 2026-03-23. Review status: criteria provided, single submitter. Criteria: GeneDx Variant Classification Process June 2021. Collection method: clinical testing. Allele origin: germline.
Comment: Not observed at significant frequency in large population cohorts (gnomAD); Has not been previously published as pathogenic or benign to our knowledge; In silico analysis suggests this variant may impact gene splicing. In the absence of RNA/functional studies, the actual effect of this sequence change is unknown.